The following is an entry in ClinVar:

ClinVar aggregate classification (germline): Uncertain significance (1 of 4 stars; one submission).

Conditions:
Gorlin syndrome. Also called: Nevoid Basal Cell Carcinoma Syndrome; Basal cell nevus syndrome. Identifiers: Orphanet 377, MedGen C0004779, MONDO:0007187.
Medulloblastoma (MDB). Also called: Medulloblastoma, somatic; MEDULLOBLASTOMA PREDISPOSITION SYNDROME. Identifiers: Orphanet 616, MedGen C0025149, MeSH D008527, MONDO:0007959, OMIM 155255, HP:0002885.

Submission:

Labcorp Genetics (formerly Invitae), Labcorp
Classification: Uncertain significance for Gorlin syndrome; Medulloblastoma. Last evaluated: 2021-02-15. Review status: criteria provided, single submitter. Criteria: Invitae Variant Classification Sherloc (09022015). Collection method: clinical testing. Allele origin: germline.
Comment: This variant has not been reported in the literature in individuals with SUFU-related conditions. In summary, the available evidence is currently insufficient to determine the role of this variant in disease. Therefore, it has been classified as a Variant of Uncertain Significance. Experimental studies and prediction algorithms are not available or were not evaluated, and the functional significance of this variant is currently unknown. The frequency data for this variant in the population databases is considered unreliable, as metrics indicate insufficient coverage at this position in the ExAC database. This variant, c.42_65del, results in the deletion of 8 amino acid(s) of the SUFU protein (p.Pro18_Ala25del), but otherwise preserves the integrity of the reading frame.

NM_016169.4(SUFU):c.42_65del (p.10PGPTAPPA[1])

Genes: SUFU (SUFU negative regulator of hedgehog signaling; plus strand), LOC130004614 (ATAC-STARR-seq lymphoblastoid silent region 2764; plus strand). Cytogenetic location: 10q24.32.
Variant type: Deletion.
Coding change: c.42_65del on transcript NM_016169.4 (MANE Select); coding-DNA positions 42 to 65, 24 bases deleted (GCCCCCGGCCCCTGGCCCGACTGC).
Protein change: p.10PGPTAPPA[1].
Molecular consequence: inframe deletion.
Genome position (GRCh38, 1-based): chr10:102,504,194-102,504,217, GCCCCCGGCCCCTGGCCCGACTGC deleted; deleting any 24 consecutive bases within chr10:102,504,192-102,504,217 gives the same sequence; the c. name uses the placement nearest the transcript's 3' end. VCF-style (leftmost placement, unchanged base first): chr10-102504191-CGCGCCCCCGGCCCCTGGCCCGACT-C. GRCh37 (hg19) VCF-style: chr10-104263948-CGCGCCCCCGGCCCCTGGCCCGACT-C.
Other names: c.42_65del, p.10PGPTAPPA[1] (NM_001178133.2).
Identifiers: ClinVar variation 1469387 (VCV001469387.8), dbSNP rs2062289607, ClinGen allele CA1932719233.